The following is an entry in ClinVar:

NM_000071.3(CBS):c.1223+117G>A

Gene: CBS (cystathionine beta-synthase; minus strand). Cytogenetic location: 21q22.3.
Variant type: single nucleotide variant.
Coding change: c.1223+117G>A on transcript NM_000071.3 (MANE Select); 117 bases into the intron after coding-DNA position 1223, G replaced by A.
Molecular consequence: intron variant.
Genome position (GRCh38, 1-based): chr21:43,059,109, C>T on the plus strand (G>A on the coding strand, the complement: CBS is on the minus strand). VCF-style: chr21-43059109-C-T. GRCh37 (hg19) VCF-style: chr21-44479219-C-T.
Other names: c.1223+117G>A (NM_001320298.2, NM_001178009.3, NM_001178008.3); c.908+117G>A (NM_001321072.1).
Identifiers: ClinVar variation 4983121 (VCV004983121.1).

ClinVar aggregate classification (germline): Likely benign (1 of 4 stars; one submission).

Conditions:
CBS-related disorder. Also called: CBS-related condition.

Submission:

PreventionGenetics, part of Exact Sciences
Classification: Likely benign for CBS-related condition. Last evaluated: 2026-05-05. Review status: criteria provided, single submitter. Criteria: ACMG Guidelines, 2015. Collection method: clinical testing. Allele origin: germline.
Comment: This variant is classified as likely benign based on ACMG/AMP sequence variant interpretation guidelines (Richards et al. 2015 PMID: 25741868, with internal and published modifications).